The following is an entry in ClinVar:

NM_000203.5(IDUA):c.1029C>G (p.Tyr343Ter)

Gene: IDUA (alpha-L-iduronidase; plus strand). Cytogenetic location: 4p16.3.
Variant type: single nucleotide variant.
Coding change: c.1029C>G on transcript NM_000203.5 (MANE Select); coding-DNA position 1029, C replaced by G.
Protein change: p.Tyr343Ter; replaces tyrosine 343 with a stop codon.
Molecular consequence: nonsense. On other transcripts: non-coding transcript variant (1).
Genome position (GRCh38, 1-based): chr4:1,002,325, C>G. VCF-style: chr4-1002325-C-G. GRCh37 (hg19) VCF-style: chr4-996113-C-G.
Other names: NM_000203.5(IDUA):c.1029C>G; p.Tyr343Ter; c.633C>G, p.Tyr211Ter (NM_001363576.1); c.1029C>G (NM_000203.4); short protein forms Y343*, Y211*.
Identifiers: ClinVar variation 550474 (VCV000550474.18), dbSNP rs764196171, ClinGen allele CA2802166.

ClinVar aggregate classification (germline): Pathogenic. Review status: reviewed by expert panel (3 of 4 stars). 6 submissions from 6 submitters: Pathogenic (1). 5 of the submissions do not count toward it. Last evaluated 2024-12-05.

Conditions:
Hurler syndrome. Also called: Gargoylism, Hurler Syndrome; MUCOPOLYSACCHARIDOSIS TYPE IH; Severe MPS I (Hurler Syndrome). Identifiers: Orphanet 93473, MedGen C0086795, MONDO:0011758, OMIM 607014.
Mucopolysaccharidosis type 1. Also called: Mucopolysaccharidosis Type I; IDUA deficiency; MPS I. Identifiers: Orphanet 579, MedGen C0023786, MONDO:0001586.

Allele frequency attached by ClinVar (database versions not stated): gnomAD exomes below 0.00001; ExAC 0.00001; TOPMed 0.00002.
gnomAD v4.1: 2 of 1,613,124 alleles (0.00012%); highest among the groups gnomAD compares: African/African-American, 0.0013%; no homozygotes.

Submissions (6):

ClinGen Lysosomal Storage Disorder Variant Curation Expert Panel
Classification: Pathogenic for Mucopolysaccharidosis type 1. Last evaluated: 2024-12-05. Review status: reviewed by expert panel. Criteria: ClinGen LSD ACMG Specifications IDUA V1.0.0. Collection method: curation. Allele origin: germline. Inheritance: Autosomal recessive inheritance.
Comment: The NM_000203.5(IDUA):c.1029C>G (p.Tyr343Ter) variant is a nonsense variant observed to cause a premature stop codon in biologically relevant exon 8 (out of 14), leading to nonsense-mediated decay in the IDUA gene in which loss-of-function is an established disease mechanism. Expression of the variant in COS-7 cells showed 1.1% of normal IDUA activity (PMID: 9391892) (PVS1). The highest population minor allele frequency in gnomAD v2.1.1 is 0.00006 (1/15956 alleles) in the African population, which is lower than the ClinGen Lysosomal Diseases VCEP’s threshold for PM2_Supporting (<0.0025), meeting this criterion (PM2_Supporting). This variant has been detected in at least 3 individuals with MPS I. Of those individuals, 2 were heterozygous for the variant and a pathogenic or likely pathogenic variant (variants are: c.208C>T (p.Gln70Ter), c.3G>A (p.Met1?)), and one of those was confirmed in trans (PMIDs: 15081804, 9391892, 8019572) (PM3_Strong). At least 1 patient with this variant had undetectable IDUA activity in skin fibroblasts (PP4) (PMID: 15081804). There is a ClinVar entry for this variant (Variation ID: 550474). In summary, this variant meets the criteria to be classified as pathogenic for MPS I based on the ACMG/AMP criteria applied, as specified by the ClinGen Lysosomal Diseases Variant Curation Expert Panel (Specifications Version 1.0.0): PVS1, PM2_Supporting, PM3_Strong, PP4. (Classification approved by the ClinGen Lysosomal Diseases Variant Curation Expert Panel on December 5, 2024)

GeneDx
Classification: Pathogenic. Last evaluated: 2024-12-18. Review status: criteria provided, single submitter. Criteria: GeneDx Variant Classification Process June 2021. Collection method: clinical testing. Allele origin: germline. Affected: yes. Not counted in ClinVar's aggregate classification.
Comment: Published functional studies demonstrate that IDUA activity is significantly reduced compared to wildtype (PMID: 9391892); Nonsense variant predicted to result in protein truncation or nonsense mediated decay in a gene for which loss of function is a known mechanism of disease; Not observed at significant frequency in large population cohorts (gnomAD); This variant is associated with the following publications: (PMID: 25525159, 31298590, 31133280, 29976218, 28676128, 21734815, 28367323, 8019572, 37542767, 9391892, 35141277, 9787109, 23837464, 15081804)

Natera, Inc.
Classification: Likely pathogenic for Mucopolysaccharidosis type I. Last evaluated: 2024-05-08. Review status: criteria provided, single submitter. Criteria: Natera Variant Classification Schema (03/2026). Collection method: clinical testing. Allele origin: germline. Not counted in ClinVar's aggregate classification.
Comment: The c.1029C>G variant in IDUA is a nonsense variant predicted to introduce a stop codon at amino acid 343. This variant is rare in the general population with a frequency below the threshold expected for the associated phenotype(s). This variant has been observed in one or more individuals affected with the associated recessive disease, as either homozygous or compound heterozygous with a second variant (PMID: 31298590, 15081804, 8019572, 9787109). Functional studies show that this variant may disrupt protein function (PMID: 9391892). Given the available evidence, this variant is classified as Likely Pathogenic.

Labcorp Genetics (formerly Invitae), Labcorp
Classification: Pathogenic for Mucopolysaccharidosis type 1. Last evaluated: 2023-11-02. Review status: criteria provided, single submitter. Criteria: Invitae Variant Classification Sherloc (09022015). Collection method: clinical testing. Allele origin: germline. Not counted in ClinVar's aggregate classification.
Comment: This sequence change creates a premature translational stop signal (p.Tyr343*) in the IDUA gene. It is expected to result in an absent or disrupted protein product. Loss-of-function variants in IDUA are known to be pathogenic (PMID: 11735025, 21480867). This variant is present in population databases (rs764196171, gnomAD 0.007%). This premature translational stop signal has been observed in individual(s) with mucopolysaccharidosis type I (PMID: 8019572, 9391892, 31298590). In at least one individual the data is consistent with being in trans (on the opposite chromosome) from a pathogenic variant. ClinVar contains an entry for this variant (Variation ID: 550474). Algorithms developed to predict the effect of sequence changes on RNA splicing suggest that this variant may disrupt the consensus splice site. For these reasons, this variant has been classified as Pathogenic.

Revvity Omics, Revvity
Classification: Pathogenic. Last evaluated: 2021-11-17. Review status: criteria provided, single submitter. Criteria: ACMG Guidelines, 2015. Collection method: clinical testing. Allele origin: germline. Not counted in ClinVar's aggregate classification.

Counsyl
Classification: Likely pathogenic for Hurler syndrome. Last evaluated: 2017-01-26. Review status: no assertion criteria provided. Collection method: clinical testing. Allele origin: unknown. Not counted in ClinVar's aggregate classification.

Literature cited by the submitters: PubMed 31298590 (cited by Natera, Inc. and Labcorp Genetics (formerly Invitae), Labcorp); PubMed 15081804 (cited by Natera, Inc. and Counsyl); PubMed 8019572 (cited by 3 submitters); PubMed 9787109 (cited by Natera, Inc.); PubMed 9391892 (cited by 3 submitters); PubMed 11735025 (cited by Labcorp Genetics (formerly Invitae), Labcorp); PubMed 21480867 (cited by Labcorp Genetics (formerly Invitae), Labcorp).